The following is an entry in ClinVar:

ClinVar aggregate classification (germline): Uncertain significance (1 of 4 stars; one submission).

Conditions:
Fanconi renotubular syndrome 4 with maturity-onset diabetes of the young (FRTS4). Also called: FRTS4 WITH MODY. Identifiers: Orphanet 93111, MedGen C4014962, MONDO:0014458, OMIM 616026.

Submission:

Genetics and Molecular Pathology, SA Pathology
Classification: Uncertain significance for Fanconi renotubular syndrome 4 with maturity-onset diabetes of the young. Last evaluated: 2021-05-14. Review status: criteria provided, single submitter. Criteria: ACMG Guidelines, 2015. Collection method: clinical testing. Allele origin: germline. Inheritance: Autosomal dominant inheritance. Affected: yes.
Comment: The HNF4A c.673G>A variant is classified as VUS (PM2, PP3) This variant is in trans with a likely pathogenic variant. The contribution of this variant to this patient’s presentation is uncertain.

NM_175914.5(HNF4A):c.607G>A (p.Gly203Ser)

Gene: HNF4A (hepatocyte nuclear factor 4 alpha; plus strand). Cytogenetic location: 20q13.12.
Variant type: single nucleotide variant.
Coding change: c.607G>A on transcript NM_175914.5 (MANE Select); coding-DNA position 607, G replaced by A.
Protein change: p.Gly203Ser; replaces glycine 203 with serine.
Molecular consequence: missense variant.
Genome position (GRCh38, 1-based): chr20:44,418,449, G>A. VCF-style: chr20-44418449-G-A. GRCh37 (hg19) VCF-style: chr20-43047089-G-A.
Other names: c.673G>A, p.Gly225Ser (NM_000457.6, NM_178849.3, NM_178850.3); c.607G>A, p.Gly203Ser (NM_001030003.3, NM_001030004.3); c.652G>A, p.Gly218Ser (NM_001258355.2); c.598G>A, p.Gly200Ser (NM_001287182.2, NM_001287183.2, NM_001287184.2); short protein forms G200S, G203S, G218S, G225S.
Identifiers: ClinVar variation 1698774 (VCV001698774.2), dbSNP rs2146437968, ClinGen allele CA409106811.